The following is an entry in ClinVar:

NM_001195263.2(PDZD7):c.509C>T (p.Pro170Leu)

Gene: PDZD7 (PDZ domain containing 7; minus strand). Cytogenetic location: 10q24.31.
Variant type: single nucleotide variant.
Coding change: c.509C>T on transcript NM_001195263.2 (MANE Select); coding-DNA position 509, C replaced by T.
Protein change: p.Pro170Leu; replaces proline 170 with leucine.
Molecular consequence: missense variant.
Genome position (GRCh38, 1-based): chr10:101,023,469, G>A on the plus strand (C>T on the coding strand, the complement: PDZD7 is on the minus strand). VCF-style: chr10-101023469-G-A. GRCh37 (hg19) VCF-style: chr10-102783226-G-A.
Other names: c.509C>T (NM_001195263.1); c.509C>T, p.Pro170Leu (NM_001351044.2, NM_024895.5); short protein forms P170L.
Identifiers: ClinVar variation 1410576 (VCV001410576.9), dbSNP rs750975516, ClinGen allele CA5654365.

ClinVar aggregate classification (germline): Uncertain significance. Review status: criteria provided, multiple submitters, no conflicts (2 of 4 stars). 4 submissions from 4 submitters: Uncertain significance (4). Last evaluated 2025-11-22.

Conditions:
Inborn genetic diseases. Identifiers: MedGen C0950123, MeSH D030342.

Allele frequency attached by ClinVar (database versions not stated): gnomAD 0.00002 and 0.00003; gnomAD exomes 0.00002; ExAC 0.00003; TOPMed 0.00004.
gnomAD v4.1: 30 of 1,613,912 alleles (0.0019%); highest among the groups gnomAD compares: Admixed American, 0.0033%; no homozygotes.

Submissions (4):

Labcorp Genetics (formerly Invitae), Labcorp
Classification: Uncertain significance. Last evaluated: 2025-11-22. Review status: criteria provided, single submitter. Criteria: Invitae Variant Classification Sherloc (09022015). Collection method: clinical testing. Allele origin: germline.
Comment: This sequence change replaces proline, which is neutral and non-polar, with leucine, which is neutral and non-polar, at codon 170 of the PDZD7 protein (p.Pro170Leu). This variant is present in population databases (rs750975516, gnomAD 0.01%). This variant has not been reported in the literature in individuals affected with PDZD7-related conditions. ClinVar contains an entry for this variant (Variation ID: 1410576). Invitae Evidence Modeling of protein sequence and biophysical properties (such as structural, functional, and spatial information, amino acid conservation, physicochemical variation, residue mobility, and thermodynamic stability) indicates that this missense variant is not expected to disrupt PDZD7 protein function with a negative predictive value of 80%. In summary, the available evidence is currently insufficient to determine the role of this variant in disease. Therefore, it has been classified as a Variant of Uncertain Significance.

GeneDx
Classification: Uncertain significance. Last evaluated: 2025-05-12. Review status: criteria provided, single submitter. Criteria: GeneDx Variant Classification Process June 2021. Collection method: clinical testing. Allele origin: germline. Affected: yes.
Comment: In silico analysis supports that this missense variant has a deleterious effect on protein structure/function; Has not been previously published as pathogenic or benign to our knowledge

Ambry Genetics
Classification: Uncertain significance for Inborn genetic diseases. Last evaluated: 2024-06-10. Review status: criteria provided, single submitter. Criteria: Ambry Variant Classification Scheme 2023. Collection method: clinical testing. Allele origin: germline.

Blueprint Genetics
Classification: Uncertain significance. Last evaluated: 2024-03-16. Review status: criteria provided, single submitter. Criteria: ACMG Guidelines, 2015. Collection method: clinical testing. Allele origin: germline.